The following is an entry in ClinVar:

ClinVar aggregate classification (germline): Uncertain significance (1 of 4 stars; one submission).

Conditions:
DNA ligase IV deficiency. Identifiers: Orphanet 99812, MedGen C1847827, MONDO:0011686, OMIM 606593.

Submission:

Labcorp Genetics (formerly Invitae), Labcorp
Classification: Uncertain significance for DNA ligase IV deficiency. Last evaluated: 2023-02-22. Review status: criteria provided, single submitter. Criteria: Invitae Variant Classification Sherloc (09022015). Collection method: clinical testing. Allele origin: germline.
Comment: In summary, the available evidence is currently insufficient to determine the role of this variant in disease. Therefore, it has been classified as a Variant of Uncertain Significance. Advanced modeling of protein sequence and biophysical properties (such as structural, functional, and spatial information, amino acid conservation, physicochemical variation, residue mobility, and thermodynamic stability) has been performed at Invitae for this missense variant, however the output from this modeling did not meet the statistical confidence thresholds required to predict the impact of this variant on LIG4 protein function. This variant has not been reported in the literature in individuals affected with LIG4-related conditions. This variant is not present in population databases (gnomAD no frequency). This sequence change replaces aspartic acid, which is acidic and polar, with glutamic acid, which is acidic and polar, at codon 460 of the LIG4 protein (p.Asp460Glu).

NM_206937.2(LIG4):c.1380T>A (p.Asp460Glu)

Gene: LIG4 (DNA ligase 4; minus strand). Cytogenetic location: 13q33.3.
Variant type: single nucleotide variant.
Coding change: c.1380T>A on transcript NM_206937.2 (MANE Select); coding-DNA position 1380, T replaced by A.
Protein change: p.Asp460Glu; replaces aspartic acid 460 with glutamic acid.
Molecular consequence: missense variant.
Genome position (GRCh38, 1-based): chr13:108,209,889, A>T on the plus strand (T>A on the coding strand, the complement: LIG4 is on the minus strand). VCF-style: chr13-108209889-A-T. GRCh37 (hg19) VCF-style: chr13-108862237-A-T.
Other names: c.1380T>A, p.Asp460Glu (NM_001098268.2, NM_001352598.2, NM_001352599.2 and 6 more transcripts); c.1179T>A, p.Asp393Glu (NM_001330595.2); c.1416T>A, p.Asp472Glu (NM_001352604.2); short protein forms D472E, D393E, D460E.
Identifiers: ClinVar variation 2839656 (VCV002839656.3), dbSNP rs2501602131, ClinGen allele CA388617555.